The following is an entry in ClinVar:

ClinVar aggregate classification (germline): Uncertain significance (1 of 4 stars; one submission).

Allele frequency attached by ClinVar (database versions not stated): gnomAD 0.00001.
gnomAD v4.1: 7 of 1,611,106 alleles (0.00043%); highest among the groups gnomAD compares: South Asian, 0.0044%; no homozygotes.

Submission:

Labcorp Genetics (formerly Invitae), Labcorp
Classification: Uncertain significance. Last evaluated: 2025-07-13. Review status: criteria provided, single submitter. Criteria: Invitae Variant Classification Sherloc (09022015). Collection method: clinical testing. Allele origin: germline.
Comment: This sequence change replaces serine, which is neutral and polar, with phenylalanine, which is neutral and non-polar, at codon 401 of the MYLK3 protein (p.Ser401Phe). This variant is present in population databases (no rsID available, gnomAD 0.006%). This variant has not been reported in the literature in individuals affected with MYLK3-related conditions. ClinVar contains an entry for this variant (Variation ID: 1438427). An algorithm developed to predict the effect of missense changes on protein structure and function (PolyPhen-2) suggests that this variant is likely to be tolerated. In summary, the available evidence is currently insufficient to determine the role of this variant in disease. Therefore, it has been classified as a Variant of Uncertain Significance.

NM_182493.3(MYLK3):c.1202C>T (p.Ser401Phe)

Gene: MYLK3 (myosin light chain kinase 3; minus strand). Cytogenetic location: 16q11.2.
Variant type: single nucleotide variant.
Coding change: c.1202C>T on transcript NM_182493.3 (MANE Select); coding-DNA position 1202, C replaced by T.
Protein change: p.Ser401Phe; replaces serine 401 with phenylalanine.
Molecular consequence: missense variant.
Genome position (GRCh38, 1-based): chr16:46,732,468, G>A on the plus strand (C>T on the coding strand, the complement: MYLK3 is on the minus strand). VCF-style: chr16-46732468-G-A. GRCh37 (hg19) VCF-style: chr16-46766380-G-A.
Other names: c.179C>T, p.Ser60Phe (NM_001308301.1); short protein forms S401F, S60F.
Identifiers: ClinVar variation 1438427 (VCV001438427.6), dbSNP rs766666069, ClinGen allele CA395792607.